The following is an entry in ClinVar:

ClinVar aggregate classification (germline): Uncertain significance (1 of 4 stars; one submission).

Conditions:
Acrocallosal syndrome (ACLS). Also called: Schinzel syndrome 1; Absence of corpus callosum with unusual facial appearance, mental deficiency, duplication of the halluces and polydactyly; HALLUX DUPLICATION, POSTAXIAL POLYDACTYLY, AND ABSENCE OF CORPUS CALLOSUM. Identifiers: Orphanet 36, MedGen C0796147, MONDO:0008708, OMIM 200990.

Submission:

Labcorp Genetics (formerly Invitae), Labcorp
Classification: Uncertain significance for Acrocallosal syndrome. Last evaluated: 2025-04-18. Review status: criteria provided, single submitter. Criteria: Invitae Variant Classification Sherloc (09022015). Collection method: clinical testing. Allele origin: germline.
Comment: This sequence change replaces glutamine, which is neutral and polar, with histidine, which is basic and polar, at codon 1079 of the KIF7 protein (p.Gln1079His). This variant is not present in population databases (gnomAD no frequency). This variant has not been reported in the literature in individuals affected with KIF7-related conditions. Invitae Evidence Modeling of protein sequence and biophysical properties (such as structural, functional, and spatial information, amino acid conservation, physicochemical variation, residue mobility, and thermodynamic stability) indicates that this missense variant is not expected to disrupt KIF7 protein function with a negative predictive value of 80%. In summary, the available evidence is currently insufficient to determine the role of this variant in disease. Therefore, it has been classified as a Variant of Uncertain Significance.

NM_198525.3(KIF7):c.3237G>C (p.Gln1079His)

Gene: KIF7 (kinesin family member 7; minus strand). Cytogenetic location: 15q26.1.
Variant type: single nucleotide variant.
Coding change: c.3237G>C on transcript NM_198525.3 (MANE Select); coding-DNA position 3237, G replaced by C.
Protein change: p.Gln1079His; replaces glutamine 1079 with histidine.
Molecular consequence: missense variant.
Genome position (GRCh38, 1-based): chr15:89,630,368, C>G on the plus strand (G>C on the coding strand, the complement: KIF7 is on the minus strand). VCF-style: chr15-89630368-C-G. GRCh37 (hg19) VCF-style: chr15-90173599-C-G.
Other names: short protein forms Q1079H.
Identifiers: ClinVar variation 4741477 (VCV004741477.1).
Genomic context (GRCh38, chr15:89,630,368, plus strand): 5'-GAGGGCTCTGGTCTCTGAGGATGAGAGGTAGCTGAGCTTGGCCATGAGGTTCATCTCGCA[C>G]TGGGACAGCAACGAGGCTGAGGCCCGAAGCACCCGCTGGCGGCATGTGATGGCCTCATTC-3'
Protein context (NP_940927.2, residues 1069-1089): VLRASASLLS[Gln1079His]CEMNLMAKLS